The following is an entry in ClinVar:

ClinVar aggregate classification (germline): Pathogenic/Likely pathogenic. Review status: criteria provided, multiple submitters, no conflicts (2 of 4 stars). 2 submissions from 2 submitters: Pathogenic (1); Likely pathogenic (1). Last evaluated 2023-06-15.

Conditions:
Klippel-Feil anomaly-myopathy-facial dysmorphism syndrome. Also called: Klippel-Feil syndrome 4, autosomal recessive, with myopathy and facial dysmorphism; Klippel-feil syndrome 4, autosomal recessive, with nemaline myopathy and facial dysmorphism. Identifiers: Orphanet 447974, MedGen C4225285, MONDO:0014689, OMIM 616549.

Allele frequency attached by ClinVar (database versions not stated): TOPMed below 0.00001.

Submissions (2):

Division of Medical Genetics, Department of Pediatrics, All India Institute of Medical Sciences, New Delhi
Classification: Pathogenic for Klippel-Feil anomaly-myopathy-facial dysmorphism syndrome. Last evaluated: 2023-06-15. Review status: criteria provided, single submitter. Criteria: ACMG Guidelines, 2015. Collection method: research. Allele origin: germline. Affected: yes.

Labcorp Genetics (formerly Invitae), Labcorp
Classification: Likely pathogenic. Last evaluated: 2023-04-06. Review status: criteria provided, single submitter. Criteria: Invitae Variant Classification Sherloc (09022015). Collection method: clinical testing. Allele origin: germline.
Comment: This sequence change affects an acceptor splice site in intron 9 of the MYO18B gene. It is expected to disrupt RNA splicing. Variants that disrupt the donor or acceptor splice site typically lead to a loss of protein function (PMID: 16199547), and loss-of-function variants in MYO18B are known to be pathogenic (PMID: 25748484, 32184166, 32637634). This variant has not been reported in the literature in individuals affected with MYO18B-related conditions. This variant is not present in population databases (gnomAD no frequency). In summary, the currently available evidence indicates that the variant is pathogenic, but additional data are needed to prove that conclusively. Therefore, this variant has been classified as Likely Pathogenic. Algorithms developed to predict the effect of sequence changes on RNA splicing suggest that this variant may disrupt the consensus splice site.

Literature cited by the submitters: PubMed 16199547 (cited by Labcorp Genetics (formerly Invitae), Labcorp); PubMed 25748484 (cited by Labcorp Genetics (formerly Invitae), Labcorp); PubMed 32184166 (cited by Labcorp Genetics (formerly Invitae), Labcorp); PubMed 32637634 (cited by Labcorp Genetics (formerly Invitae), Labcorp).

NM_032608.7(MYO18B):c.2212-1G>A

Gene: MYO18B (myosin XVIIIB; plus strand). Cytogenetic location: 22q12.1.
Variant type: single nucleotide variant.
Coding change: c.2212-1G>A on transcript NM_032608.7 (MANE Select); the canonical splice acceptor site of the intron before coding-DNA position 2212, G replaced by A.
Molecular consequence: splice acceptor variant.
Genome position (GRCh38, 1-based): chr22:25,781,733, G>A. VCF-style: chr22-25781733-G-A. GRCh37 (hg19) VCF-style: chr22-26177700-G-A.
Other names: c.2212-1G>A (NM_001318245.2).
Identifiers: ClinVar variation 2506377 (VCV002506377.4), dbSNP rs2087167387, ClinGen allele CA410993949.
Genomic context (GRCh38, chr22:25,781,733, plus strand): 5'-CTTCAGGCATGTGCAGATGTACCCAAAGCACTGACTGGGTGCCCCTCTTCTCTCCCTGCA[G>A]ACAATGCTTTTGGAGAAGAGCCGCGTGGCACGGCAGCCGGAAGGGGAAAGTAACTTCCTG-3'